The following continues an entry in ClinVar:

NM_002485.5(NBN):c.657_661del (p.Lys219fs)

Gene: NBN. ClinVar aggregate classification (germline): Pathogenic. Pathogenic (41).

Submissions 8 to 21 of 53:

Variantyx, Inc.
Classification: Pathogenic for Microcephaly, normal intelligence and immunodeficiency. Last evaluated: 2025-08-24. Review status: criteria provided, single submitter. Criteria: Variantyx Assertion Criteria 2022. Collection method: clinical testing. Allele origin: germline. Inheritance: Autosomal recessive inheritance. Affected: no.
Comment: This is a frameshift variant in the NBN gene (OMIM: 602667). Pathogenic variants in this gene have been associated with autosomal recessive Nijmegen breakage syndrome. This variant introduces a premature termination codon in exon 6 out of 16 and is expected to result in loss of function, which is a known disease mechanism for NBN in this disorder (PMID: 9590180) (PVS1). This is an established founder variant in the Caucasian European populations, especially of Slavic origin (PMID: 33488600) (PS4). Based on the current evidence, this variant is classified as pathogenic for autosomal recessive Nijmegen breakage syndrome.

Laboratory of Genetics, Children's Clinical University Hospital Latvia
Classification: Pathogenic. Last evaluated: 2025-02-16. Review status: criteria provided, single submitter. Criteria: ACMG Guidelines, 2015. Collection method: clinical testing. Allele origin: germline. Affected: yes.

Blueprint Genetics
Classification: Pathogenic for NBN-related disorders. Last evaluated: 2024-10-29. Review status: criteria provided, single submitter. Criteria: ACMG Guidelines, 2015. Collection method: clinical testing. Allele origin: germline. Affected: yes. Observed: 5 variant alleles.

Fulgent Genetics
Classification: Pathogenic for Microcephaly, normal intelligence and immunodeficiency; Aplastic anemia; Acute lymphoid leukemia. Last evaluated: 2024-05-11. Review status: criteria provided, single submitter. Criteria: ACMG Guidelines, 2015. Collection method: clinical testing. Allele origin: germline.

Baylor Genetics
Classification: Pathogenic for Aplastic anemia. Last evaluated: 2024-03-27. Review status: criteria provided, single submitter. Criteria: ACMG Guidelines, 2015. Collection method: clinical testing. Allele origin: unknown.

Laboratory of Medical Genetics, National & Kapodistrian University of Athens
Classification: Pathogenic for Microcephaly, normal intelligence and immunodeficiency. Last evaluated: 2024-02-01. Review status: criteria provided, single submitter. Criteria: ACMG Guidelines, 2015. Collection method: curation. Allele origin: germline. Affected: no.

ARUP Laboratories, Molecular Genetics and Genomics, ARUP Laboratories
Classification: Pathogenic. Last evaluated: 2024-01-19. Review status: criteria provided, single submitter. Criteria: ARUP Molecular Germline Variant Investigation Process 2024. Collection method: clinical testing. Allele origin: germline.
Comment: The NBN c.657_661del; p.Lys219AsnfsTer16 variant (rs587776650), also known as 657del5, is reported in the literature as the most common pathogenic variant and a founder mutation in the Slavic population in individuals affected with Nijmegen breakage syndrome (Varon 1998). Heterozygous carriers are also reported to have an increased risk for various cancers, including breast cancer, prostate cancer, colorectal cancer, lymphoma, melanoma, and medulloblastoma (Ciara 2010, Gao 2013, Steffen 2004). However, more recent large, multi-ethnic case control studies have demonstrated that heterozygous pathogenic NBN variants are not associated with an increased risk for breast cancer (Belhadj 2023, Breast Cancer Association 2021, Hu 2021). Data regarding other cancer risks remains inconclusive. This variant is also reported in ClinVar (Variation ID: 6940) and is found in the non-Finnish European population with an allele frequency of 0.04% (52/128774 alleles) in the Genome Aggregation Database. This variant causes a frameshift by deleting 5 nucleotides, so it is predicted to result in a truncated protein or mRNA subject to nonsense-mediated decay. However, functional studies show two in-frame start codons created by the frameshift that can generate truncated NBN proteins with partial functionality (Lins 2009, Maser 2001). Based on available information, this variant is considered to be pathogenic. References: Belhadj S et al. NBN Pathogenic Germline Variants are Associated with Pan-Cancer Susceptibility and In Vitro DNA Damage Response Defects. Clin Cancer Res. 2023 Jan 17. PMID: 36346689. Breast Cancer Association C et al. Breast Cancer Risk Genes - Association Analysis in More than 113,000 Women. N Engl J Med. 2021 Feb 4. PMID: 33471991. Ciara E et al. Heterozygous germ-line mutations in the NBN gene predispose to medulloblastoma in pediatric patients. Acta Neuropathol. 2010 Mar. PMID: 19908051. Gao P et al. Functional variants in NBS1 and cancer risk: evidence from a meta-analysis of 60 publications with 111 individual studies. Mutagenesis. 2013 Nov. PMID: 24113799. Hu C et al. A Population-Based Study of Genes Previously Implicated in Breast Cancer. N Engl J Med. 2021 Feb 4. PMID: 33471974. Lins S et al. Clinical variability and expression of the NBN c.657del5 allele in Nijmegen Breakage Syndrome. Gene. 2009 Nov 1. PMID: 19635536. Maser RS et al. An alternative mode of translation permits production of a variant NBS1 protein from the common Nijmegen breakage syndrome allele. Nature genetics. 2001 Apr. PMID: 11279524. Varon R et al. Nibrin, a novel DNA double-strand break repair protein, is mutated in Nijmegen breakage syndrome. Cell. 1998 May 1. PMID: 9590180.

Mayo Clinic Laboratories, Mayo Clinic
Classification: Pathogenic. Last evaluated: 2023-08-23. Review status: criteria provided, single submitter. Criteria: ACMG Guidelines, 2015. Collection method: clinical testing. Allele origin: germline. Observed: 2 variant alleles.
Comment: PP4, PS3, PVS1

Clinical Genetics Laboratory, Skane University Hospital Lund
Classification: Pathogenic. Last evaluated: 2023-08-11. Review status: criteria provided, single submitter. Criteria: ACMG Guidelines, 2015. Collection method: clinical testing. Allele origin: germline. Affected: yes.

Institute of Human Genetics, University of Leipzig Medical Center
Classification: Pathogenic for Microcephaly, normal intelligence and immunodeficiency. Last evaluated: 2023-05-05. Review status: criteria provided, single submitter. Criteria: ACMG Guidelines, 2015. Collection method: clinical testing. Allele origin: maternal. Inheritance: Autosomal recessive inheritance. Affected: yes.
Comment: Criteria applied: PVS1,PS3,PS4,PM2_SUP

St. Jude Molecular Pathology, St. Jude Children's Research Hospital
Classification: Pathogenic for Microcephaly, normal intelligence and immunodeficiency. Last evaluated: 2022-09-28. Review status: criteria provided, single submitter. Criteria: St. Jude Assertion Criteria 2020. Collection method: clinical testing. Allele origin: germline.
Comment: The NBN c.657_661del (p.Lys219fs) change deletes five nucleotides and causes a frameshift and the creation of a premature stop codon. This change is predicted to cause protein truncation or absence of the protein due to nonsense mediated decay. This variant has a maximum subpopulation frequency of 0.040% in gnomAD v2.1.1. This is the most common pathogenic variant reported in individuals affected with Nijmegen breakage syndrome (PMID: 9590180, 20301355). In addition, this variant has been identified as heterozygous in individuals with many cancer types including breast, lymphoma, prostate, melanoma, medulloblastoma, and others (PMID: 15185344, 14973119, 18606567, 19908051, 24113799). Case-control studies have demonstrated evidence of association with breast cancer (OR = 2.63), prostate cancer (OR = 5.87), and lymphoma (OR = 2.93) (PMID: 23317186, 24113799). This variant is present 5x in the FLOSSIES database which contains genetic variants from women older than 70 years of age who have never had cancer. In summary, this variant meets criteria to be classified as pathogenic.

3billion
Classification: Pathogenic for Microcephaly, normal intelligence and immunodeficiency. Last evaluated: 2022-09-01. Review status: criteria provided, single submitter. Criteria: ACMG Guidelines, 2015. Collection method: clinical testing. Allele origin: germline. Affected: yes. Observed: 1 homozygote.
Comment: The variant is observed at an extremely low frequency in the gnomAD v2.1.1 dataset (total allele frequency: 0.020%). It is predicted to result in a loss or disruption of normal protein function through nonsense-mediated decay (NMD) or protein truncation. Multiple pathogenic variants are reported downstream of the variant. The variant has been reported at least twice as pathogenic with clinical assertions and evidence for the classification (ClinVar ID: VCV000006940 / PMID: 9590180). Therefore, this variant is classified as Pathogenic according to the recommendation of ACMG/AMP guideline.

Quest Diagnostics Nichols Institute San Juan Capistrano
Classification: Pathogenic. Last evaluated: 2022-08-22. Review status: criteria provided, single submitter. Criteria: Quest Diagnostics criteria. Collection method: clinical testing. Allele origin: unknown.
Comment: This frameshift variant alters the translational reading frame of the NBN mRNA and causes the premature termination of NBN protein synthesis. Functional studies have shown that this variant results in two proteins, the N-terminal p26 fragment and the p70 fragment produced from an internal initiation codon at position p.221 that lacks the N-terminal portion (PMID: 11279524 (2001), 25485873 (2014)). Another study has shown that the variant caused increased chromosomal instability in homozygous cells (PMID: 22131123 (2012)). The frequency of this variant in the general population, 0.00041 (21/50678 chromosomes), is consistent with pathogenicity. The c.657_661del variant is the most common pathogenic variant found in individuals affected by Nijmegen breakage syndrome (NBS) (PMID: 9590180 (1998), 20301355 (2017)). In the published literature, previous studies showed an association to breast cancer (PMID: 12845677 (2003), 22491912 (2012), 23317186 (2012)), however, recent studies do not support this association (PMID: 34072463 (2021), 33471974 (2021), 33471991 (2021)). The variant is also reported to have an increased risk overall for cancer (PMID: 24113799 (2013), 15185344 (2004)), including pancreatic cancer (PMID: 27150568 (2016), 35309086 (2022)), prostate cancer (PMID: 14973119 (2004)), medulloblastoma (PMID: 19908051 (2010)), and relapse of B-cell precursor acute lymphoblastic leukemia (BCP-ALL) (PMID: 29419426 (2018)). Based on the available information, this variant is classified as pathogenic.

Greenwood Genetic Center Diagnostic Laboratories, Greenwood Genetic Center
Classification: Pathogenic for Microcephaly, normal intelligence and immunodeficiency. Last evaluated: 2022-04-27. Review status: criteria provided, single submitter. Criteria: ACMG Guidelines, 2015. Collection method: clinical testing. Allele origin: germline. Affected: yes.
Comment: PVS1, PS3, PM3